The following is an entry in ClinVar:

Conditions:
Arteriohepatic dysplasia. Also called: Alagille Syndrome. Identifiers: Orphanet 52, MedGen C0085280, MeSH D016738, MONDO:0007318.

Submission:

Gilbert/Spinner Lab, Children's Hospital of Philadelphia
No classification provided (evidence only). Condition: Alagille syndrome. Review status: no classification provided. Collection method: research. Allele origin: not applicable. Functional consequence: functionally_abnormal.
ClinVar note: "not provided" was previously submitted as the classification for the variant. However, the classification appeared to be based only on an observation of functional data so it was converted to no classification on 2025-07-30.

NM_000214.3(JAG1):c.571T>G (p.Tyr191Asp)

Gene: JAG1 (jagged canonical Notch ligand 1; minus strand). Cytogenetic location: 20p12.2.
Variant type: single nucleotide variant.
Coding change: c.571T>G on transcript NM_000214.3 (MANE Select); coding-DNA position 571, T replaced by G.
Protein change: p.Tyr191Asp; replaces tyrosine 191 with aspartic acid.
Molecular consequence: missense variant.
Genome position (GRCh38, 1-based): chr20:10,658,591, A>C on the plus strand (T>G on the coding strand, the complement: JAG1 is on the minus strand). VCF-style: chr20-10658591-A-C. GRCh37 (hg19) VCF-style: chr20-10639239-A-C.
Other names: short protein forms Y191D.
Identifiers: ClinVar variation 3573067 (VCV003573067.2).